The following is an entry in ClinVar:

NM_206933.4(USH2A):c.4556G>A (p.Gly1519Glu)

Gene: USH2A (usherin; minus strand). Cytogenetic location: 1q41.
Variant type: single nucleotide variant.
Coding change: c.4556G>A on transcript NM_206933.4 (MANE Select); coding-DNA position 4556, G replaced by A.
Protein change: p.Gly1519Glu; replaces glycine 1519 with glutamic acid.
Molecular consequence: missense variant.
Genome position (GRCh38, 1-based): chr1:216,175,323, C>T on the plus strand (G>A on the coding strand, the complement: USH2A is on the minus strand). VCF-style: chr1-216175323-C-T. GRCh37 (hg19) VCF-style: chr1-216348665-C-T.
Other names: c.4556G>A, p.Gly1519Glu (NM_007123.6); short protein forms G1519E.
Identifiers: ClinVar variation 1415809 (VCV001415809.7), dbSNP rs776483371, ClinGen allele CA1395694.

ClinVar aggregate classification (germline): Uncertain significance. Review status: criteria provided, multiple submitters, no conflicts (2 of 4 stars). 2 submissions from 2 submitters: Uncertain significance (2). Last evaluated 2023-11-27.

Allele frequency attached by ClinVar (database versions not stated): gnomAD exomes below 0.00001; TOPMed below 0.00001; ExAC 0.00001; gnomAD 0.00001.
gnomAD v4.1: 2 of 1,613,632 alleles (0.00012%); highest among the groups gnomAD compares: African/African-American, 0.0027%; no homozygotes.

Submissions (2):

Labcorp Genetics (formerly Invitae), Labcorp
Classification: Uncertain significance. Last evaluated: 2023-11-27. Review status: criteria provided, single submitter. Criteria: Invitae Variant Classification Sherloc (09022015). Collection method: clinical testing. Allele origin: germline.
Comment: This sequence change replaces glycine, which is neutral and non-polar, with glutamic acid, which is acidic and polar, at codon 1519 of the USH2A protein (p.Gly1519Glu). This variant is present in population databases (rs776483371, gnomAD 0.007%). This variant has not been reported in the literature in individuals affected with USH2A-related conditions. ClinVar contains an entry for this variant (Variation ID: 1415809). Advanced modeling of protein sequence and biophysical properties (such as structural, functional, and spatial information, amino acid conservation, physicochemical variation, residue mobility, and thermodynamic stability) performed at Invitae indicates that this missense variant is expected to disrupt USH2A protein function with a positive predictive value of 95%. In summary, the available evidence is currently insufficient to determine the role of this variant in disease. Therefore, it has been classified as a Variant of Uncertain Significance.

Blueprint Genetics
Classification: Uncertain significance. Last evaluated: 2023-03-23. Review status: criteria provided, single submitter. Criteria: ACMG Guidelines, 2015. Collection method: clinical testing. Allele origin: germline.